The following is an entry in ClinVar:

ClinVar aggregate classification (germline): Pathogenic/Likely pathogenic. Review status: criteria provided, multiple submitters, no conflicts (2 of 4 stars). 2 submissions from 2 submitters: Pathogenic (1); Likely pathogenic (1). Last evaluated 2024-01-18.

Conditions:
Chédiak-Higashi syndrome (CHS). Also called: Chediak-Higashi Syndrome. Identifiers: Orphanet 167, MedGen C0007965, MONDO:0008963, OMIM 214500.

Submissions (2):

Labcorp Genetics (formerly Invitae), Labcorp
Classification: Pathogenic for Chédiak-Higashi syndrome. Last evaluated: 2024-01-18. Review status: criteria provided, single submitter. Criteria: Invitae Variant Classification Sherloc (09022015). Collection method: clinical testing. Allele origin: germline.
Comment: This sequence change creates a premature translational stop signal (p.Ala3330Argfs*16) in the LYST gene. It is expected to result in an absent or disrupted protein product. Loss-of-function variants in LYST are known to be pathogenic (PMID: 9215679, 11857544). This variant is not present in population databases (gnomAD no frequency). This variant has not been reported in the literature in individuals affected with LYST-related conditions. For these reasons, this variant has been classified as Pathogenic.

Baylor Genetics
Classification: Likely pathogenic for Chédiak-Higashi syndrome. Last evaluated: 2023-10-20. Review status: criteria provided, single submitter. Criteria: ACMG Guidelines, 2015. Collection method: clinical testing. Allele origin: unknown.

Literature cited by the submitters: PubMed 9215679 (cited by Labcorp Genetics (formerly Invitae), Labcorp); PubMed 11857544 (cited by Labcorp Genetics (formerly Invitae), Labcorp).

NM_000081.4(LYST):c.9988del (p.Ala3330fs)

Genes: LYST (lysosomal trafficking regulator; minus strand), LOC126806063 (MED14-independent group 3 enhancer GRCh37_chr1:235871544-235872743; plus strand). Cytogenetic location: 1q42.3.
Variant type: Deletion.
Coding change: c.9988del on transcript NM_000081.4 (MANE Select); coding-DNA position 9988, one base deleted (G; older notation c.9988delG).
Protein change: p.Ala3330fs; shifts the reading frame from alanine 3330.
Molecular consequence: frameshift variant.
Genome position (GRCh38, 1-based): chr1:235,709,246, C deleted on the plus strand (G on the coding strand, the reverse complement: LYST is on the minus strand); the first of 3 consecutive C bases (chr1:235,709,246-235,709,248); deleting any one gives the same sequence. VCF-style (leftmost placement, unchanged base first): chr1-235709245-GC-G. GRCh37 (hg19) VCF-style: chr1-235872545-GC-G.
Other names: c.9988del, p.Ala3330fs (NM_001301365.1); short protein forms A3330fs.
Identifiers: ClinVar variation 2676337 (VCV002676337.4), dbSNP rs2527364273, ClinGen allele CA2695200040.